The following is an entry in ClinVar:

ClinVar aggregate classification (germline): Uncertain significance. Review status: criteria provided, multiple submitters, no conflicts (2 of 4 stars). 3 submissions from 3 submitters: Uncertain significance (3). Last evaluated 2025-01-14.

Conditions:
Hereditary cancer-predisposing syndrome. Also called: Tumor predisposition; Hereditary Cancer Syndrome; Hereditary neoplastic syndrome; Neoplastic Syndromes, Hereditary. Identifiers: Orphanet 140162, MedGen C0027672, MeSH D009386, MONDO:0015356.
Familial adenomatous polyposis 1 (FAP1). Also called: FAMILIAL ADENOMATOUS POLYPOSIS 1, ATTENUATED; POLYPOSIS, ADENOMATOUS INTESTINAL. Identifiers: MedGen C2713442, MONDO:0021056, OMIM 175100. Disease mechanism: loss of function.

Allele frequency attached by ClinVar (database versions not stated): gnomAD exomes below 0.00001 and 0.00001; TOPMed below 0.00001.
gnomAD v4.1: 2 of 1,613,734 alleles (0.00012%); highest among the groups gnomAD compares: East Asian, 0.0045%; no homozygotes.

Submissions (3):

Color Diagnostics, LLC DBA Color Health
Classification: Uncertain significance for Hereditary cancer-predisposing syndrome. Last evaluated: 2025-01-14. Review status: criteria provided, single submitter. Criteria: ACMG Guidelines, 2015. Collection method: clinical testing. Allele origin: germline.
Comment: This missense variant replaces leucine with valine at codon 2038 of the APC protein. Computational prediction suggests that this variant may have deleterious impact on protein structure and function (internally defined REVEL score threshold >= 0.7, PMID: 27666373). To our knowledge, functional studies have not been reported for this variant. This variant has been observed in two related individuals affected with familial adenomatous polyposis (PMID: 12503191). This variant has been identified in 2/1613734 chromosomes in the general population by the Genome Aggregation Database (gnomAD). The available evidence is insufficient to determine the role of this variant in disease conclusively. Therefore, this variant is classified as a Variant of Uncertain Significance.

Ambry Genetics
Classification: Uncertain significance for Hereditary cancer-predisposing syndrome. Last evaluated: 2024-11-08. Review status: criteria provided, single submitter. Criteria: Ambry Variant Classification Scheme 2023. Collection method: clinical testing. Allele origin: germline.
Comment: The p.L2038V variant (also known as c.6112C>G), located in coding exon 15 of the APC gene, results from a C to G substitution at nucleotide position 6112. The leucine at codon 2038 is replaced by valine, an amino acid with highly similar properties. This alteration has been reported in multiple individuals with a clinical diagnosis of familial adenomatous polyposis (Nimura Y et al. Jpn J Hum Genet, 1997 Sep;42:433-9; Lee JK et al. Cancer Genet, 2022 Apr;262-263:95-101). However, based on data from gnomAD, the frequency for this variant is above the maximum credible frequency for a disease-causing variant in this gene based on internally established thresholds (Karczewski et al. Nature. 2020 May;581(7809):434-443; Whiffin et al. Genet Med. 2017 10;19:1151-1158). This amino acid position is highly conserved in available vertebrate species. In addition, in silico predictors for this gene do not accurately predict pathogenicity. Missense alterations in APC are not a common cause of disease (Spier I et al. Genet Med. 2024 Feb;26(2):100992). Based on the available evidence, the clinical significance of this variant remains unclear.

Labcorp Genetics (formerly Invitae), Labcorp
Classification: Uncertain significance for Familial adenomatous polyposis 1. Last evaluated: 2024-10-10. Review status: criteria provided, single submitter. Criteria: Invitae Variant Classification Sherloc (09022015). Collection method: clinical testing. Allele origin: germline.
Comment: This sequence change replaces leucine, which is neutral and non-polar, with valine, which is neutral and non-polar, at codon 2038 of the APC protein (p.Leu2038Val). This variant is present in population databases (no rsID available, gnomAD 0.01%). This missense change has been observed in individual(s) with clinical features of familial adenomatous polyposis and/or prostate cancer (PMID: 12503191, 35189564, 35534218). ClinVar contains an entry for this variant (Variation ID: 537558). Invitae Evidence Modeling of protein sequence and biophysical properties (such as structural, functional, and spatial information, amino acid conservation, physicochemical variation, residue mobility, and thermodynamic stability) indicates that this missense variant is not expected to disrupt APC protein function with a negative predictive value of 95%. In summary, the available evidence is currently insufficient to determine the role of this variant in disease. Therefore, it has been classified as a Variant of Uncertain Significance.

Literature cited by the submitters: PubMed 12503191 (cited by 3 submitters); PubMed 35189564 (cited by Ambry Genetics and Labcorp Genetics (formerly Invitae), Labcorp); PubMed 35534218 (cited by Labcorp Genetics (formerly Invitae), Labcorp).

NM_000038.6(APC):c.6112C>G (p.Leu2038Val)

Gene: APC (APC regulator of Wnt signaling pathway; plus strand). Cytogenetic location: 5q22.2.
Variant type: single nucleotide variant.
Coding change: c.6112C>G on transcript NM_000038.6 (MANE Select); coding-DNA position 6112, C replaced by G.
Protein change: p.Leu2038Val; replaces leucine 2038 with valine.
Molecular consequence: missense variant.
Genome position (GRCh38, 1-based): chr5:112,841,706, C>G. VCF-style: chr5-112841706-C-G. GRCh37 (hg19) VCF-style: chr5-112177403-C-G.
Other names: c.6112C>G, p.Leu2038Val (NM_001127510.3, NM_001354895.2); c.6058C>G, p.Leu2020Val (NM_001127511.3); c.6166C>G, p.Leu2056Val (NM_001354896.2); c.6142C>G, p.Leu2048Val (NM_001354897.2); c.6037C>G, p.Leu2013Val (NM_001354898.2); c.6028C>G, p.Leu2010Val (NM_001354899.2); c.5989C>G, p.Leu1997Val (NM_001354900.2); c.5935C>G, p.Leu1979Val (NM_001354901.2); and 5 more; short protein forms L2038V, L2020V, L1937V, L1947V, L1979V, L1878V, L1997V, L2048V.
Identifiers: ClinVar variation 537558 (VCV000537558.15), dbSNP rs1433119360, ClinGen allele CA16034712.